The following is an entry in ClinVar:

ClinVar aggregate classification (germline): Likely benign (0 of 4 stars; one submission).

Conditions:
PLEKHA7-related disorder. Also called: PLEKHA7-related condition.

Submission:

PreventionGenetics, part of Exact Sciences
Classification: Likely benign for PLEKHA7-related condition. Last evaluated: 2019-04-24. Review status: no assertion criteria provided. Collection method: clinical testing. Allele origin: germline.
Comment: This variant is classified as likely benign based on ACMG/AMP sequence variant interpretation guidelines (Richards et al. 2015 PMID: 25741868, with internal and published modifications).

NM_001329630.2(PLEKHA7):c.306-5C>A

Gene: PLEKHA7 (pleckstrin homology domain containing A7; minus strand). Cytogenetic location: 11p15.2.
Variant type: single nucleotide variant.
Coding change: c.306-5C>A on transcript NM_001329630.2 (MANE Select); 5 bases into the intron before coding-DNA position 306, C replaced by A.
Molecular consequence: intron variant.
Genome position (GRCh38, 1-based): chr11:16,855,919, G>T on the plus strand (C>A on the coding strand, the complement: PLEKHA7 is on the minus strand). VCF-style: chr11-16855919-G-T. GRCh37 (hg19) VCF-style: chr11-16877466-G-T.
Other names: c.306-5C>A (NM_001410960.1, NM_175058.5, NM_001329631.2).
Identifiers: ClinVar variation 3057550 (VCV003057550.2), dbSNP rs1416816850, ClinGen allele CA2542959261.